The following is an entry in ClinVar:

NM_001737.5(C9):c.1213T>C (p.Cys405Arg)

Gene: C9 (complement C9; minus strand). Cytogenetic location: 5p13.1.
Variant type: single nucleotide variant.
Coding change: c.1213T>C on transcript NM_001737.5 (MANE Select); coding-DNA position 1213, T replaced by C.
Protein change: p.Cys405Arg; replaces cysteine 405 with arginine.
Molecular consequence: missense variant.
Genome position (GRCh38, 1-based): chr5:39,308,257, A>G on the plus strand (T>C on the coding strand, the complement: C9 is on the minus strand). VCF-style: chr5-39308257-A-G. GRCh37 (hg19) VCF-style: chr5-39308359-A-G.
Other names: short protein forms C405R.
Identifiers: ClinVar variation 1461777 (VCV001461777.8), dbSNP rs527488079, ClinGen allele CA3246763.

ClinVar aggregate classification (germline): Uncertain significance (1 of 4 stars; one submission).

Allele frequency attached by ClinVar (database versions not stated): gnomAD 0.00001 and 0.00003; gnomAD exomes 0.00001 and 0.00004; ExAC 0.00003; TOPMed 0.00004; 1000 Genomes Project 30x 0.00031; 1000 Genomes Project 0.00040.
gnomAD v4.1: 20 of 1,612,240 alleles (0.0012%); highest among the groups gnomAD compares: East Asian, 0.038%; no homozygotes.

Submission:

Labcorp Genetics (formerly Invitae), Labcorp
Classification: Uncertain significance. Last evaluated: 2022-06-22. Review status: criteria provided, single submitter. Criteria: Invitae Variant Classification Sherloc (09022015). Collection method: clinical testing. Allele origin: germline.
Comment: This sequence change replaces cysteine, which is neutral and slightly polar, with arginine, which is basic and polar, at codon 405 of the C9 protein (p.Cys405Arg). This variant is present in population databases (rs527488079, gnomAD 0.05%). This variant has not been reported in the literature in individuals affected with C9-related conditions. Algorithms developed to predict the effect of missense changes on protein structure and function are either unavailable or do not agree on the potential impact of this missense change (SIFT: "Not Available"; PolyPhen-2: "Probably Damaging"; Align-GVGD: "Not Available"). In summary, the available evidence is currently insufficient to determine the role of this variant in disease. Therefore, it has been classified as a Variant of Uncertain Significance.